The following is an entry in ClinVar:

ClinVar aggregate classification (germline): Uncertain significance (1 of 4 stars; one submission).

Conditions:
Familial sleep-related hypermotor epilepsy. Also called: Autosomal Dominant Sleep-Related Hypermotor (Hyperkinetic) Epilepsy. Identifiers: Orphanet 98784, MedGen C3696898, MONDO:0000030.

Allele frequency attached by ClinVar (database versions not stated): gnomAD exomes below 0.00001.

Submission:

Labcorp Genetics (formerly Invitae), Labcorp
Classification: Uncertain significance. Last evaluated: 2021-12-23. Review status: criteria provided, single submitter. Criteria: Invitae Variant Classification Sherloc (09022015). Collection method: clinical testing. Allele origin: germline.
Comment: In summary, the available evidence is currently insufficient to determine the role of this variant in disease. Therefore, it has been classified as a Variant of Uncertain Significance. This variant has not been reported in the literature in individuals affected with CHRNB2-related conditions. This variant is not present in population databases (gnomAD no frequency). This sequence change creates a premature translational stop signal (p.Val246Alafs*123) in the CHRNB2 gene. It is expected to result in an absent or disrupted protein product. However, the current clinical and genetic evidence is not sufficient to establish whether loss-of-function variants in CHRNB2 cause disease.

NM_000748.3(CHRNB2):c.732_733del (p.Val246fs)

Gene: CHRNB2 (cholinergic receptor nicotinic beta 2 subunit; plus strand). Cytogenetic location: 1q21.3.
Variant type: Deletion.
Coding change: c.732_733del on transcript NM_000748.3 (MANE Select); coding-DNA positions 732 to 733, 2 bases deleted (CT; older notation c.732_733delCT).
Protein change: p.Val246fs; shifts the reading frame from valine 246.
Molecular consequence: frameshift variant.
Genome position (GRCh38, 1-based): chr1:154,571,555-154,571,556, CT deleted. VCF-style (leftmost placement, unchanged base first): chr1-154571554-CCT-C. GRCh37 (hg19) VCF-style: chr1-154544030-CCT-C.
Other names: short protein forms V246fs.
Identifiers: ClinVar variation 1392801 (VCV001392801.6), dbSNP rs2101520989, ClinGen allele CA2573131093.
Genomic context (GRCh38, chr1:154,571,554, plus strand): 5'-TCACGTATGACTTCATCATTCGCCGCAAGCCGCTCTTCTACACCATCAACCTCATCATCC[CCT>C]GTGTGCTCATCACCTCGCTAGCCATCCTTGTCTTCTACCTGCCATCCGACTGTGGCGAGA-3'